The following is an entry in ClinVar:

ClinVar aggregate classification (germline): Likely pathogenic (1 of 4 stars; one submission).

Conditions:
Arrhythmogenic right ventricular dysplasia 10. Also called: Arrhythmogenic Right Ventricular Dysplasia/Cardiomyopathy10; ARRHYTHMOGENIC RIGHT VENTRICULAR DYSPLASIA, FAMILIAL, 10; Arrhythmogenic right ventricular dysplasia/cardiomyopathy, type 10. Identifiers: MedGen C1857777, MONDO:0012434, OMIM 610193.

Submission:

Labcorp Genetics (formerly Invitae), Labcorp
Classification: Likely pathogenic for Arrhythmogenic right ventricular dysplasia 10. Last evaluated: 2024-04-25. Review status: criteria provided, single submitter. Criteria: Invitae Variant Classification Sherloc (09022015). Collection method: clinical testing. Allele origin: germline.
Comment: This sequence change affects an acceptor splice site in intron 11 of the DSG2 gene. It is expected to disrupt RNA splicing. Variants that disrupt the donor or acceptor splice site typically lead to a loss of protein function (PMID: 16199547), and loss-of-function variants in DSG2 are known to be pathogenic (PMID: 17105751, 31386562). This variant is not present in population databases (gnomAD no frequency). This variant has not been reported in the literature in individuals affected with DSG2-related conditions. Algorithms developed to predict the effect of sequence changes on RNA splicing suggest that this variant may disrupt the consensus splice site. In summary, the currently available evidence indicates that the variant is pathogenic, but additional data are needed to prove that conclusively. Therefore, this variant has been classified as Likely Pathogenic.

Literature cited by the submitters: PubMed 16199547; PubMed 17105751; PubMed 31386562.

NM_001943.5(DSG2):c.1652-2A>G

Gene: DSG2 (desmoglein 2; plus strand). Cytogenetic location: 18q12.1.
Variant type: single nucleotide variant.
Coding change: c.1652-2A>G on transcript NM_001943.5 (MANE Select); the canonical splice acceptor site of the intron before coding-DNA position 1652, A replaced by G.
Molecular consequence: splice acceptor variant.
Genome position (GRCh38, 1-based): chr18:31,538,749, A>G. VCF-style: chr18-31538749-A-G. GRCh37 (hg19) VCF-style: chr18-29118712-A-G.
Identifiers: ClinVar variation 3651102 (VCV003651102.2).